The following is an entry in ClinVar:

NM_025009.5(CEP135):c.3418G>A (p.Val1140Met)

Gene: CEP135 (centrosomal protein 135; plus strand). Cytogenetic location: 4q12.
Variant type: single nucleotide variant.
Coding change: c.3418G>A on transcript NM_025009.5 (MANE Select); coding-DNA position 3418, G replaced by A.
Protein change: p.Val1140Met; replaces valine 1140 with methionine.
Molecular consequence: missense variant.
Genome position (GRCh38, 1-based): chr4:56,024,598, G>A. VCF-style: chr4-56024598-G-A. GRCh37 (hg19) VCF-style: chr4-56890764-G-A.
Other names: short protein forms V1140M.
Identifiers: ClinVar variation 2169437 (VCV002169437.3), dbSNP rs142533757, ClinGen allele CA2928418.

ClinVar aggregate classification (germline): Uncertain significance (1 of 4 stars; one submission).

Allele frequency attached by ClinVar (database versions not stated): TOPMed 0.00006; ESP Exome Variant Server 0.00008; gnomAD 0.00009; ExAC 0.00013.

Submission:

Labcorp Genetics (formerly Invitae), Labcorp
Classification: Uncertain significance. Last evaluated: 2024-11-04. Review status: criteria provided, single submitter. Criteria: Invitae Variant Classification Sherloc (09022015). Collection method: clinical testing. Allele origin: germline.
Comment: This sequence change replaces valine, which is neutral and non-polar, with methionine, which is neutral and non-polar, at codon 1140 of the CEP135 protein (p.Val1140Met). The frequency data for this variant in the population databases is considered unreliable, as metrics indicate poor data quality at this position in the gnomAD database. This variant has not been reported in the literature in individuals affected with CEP135-related conditions. ClinVar contains an entry for this variant (Variation ID: 2169437). An algorithm developed to predict the effect of missense changes on protein structure and function (PolyPhen-2) suggests that this variant is likely to be tolerated. In summary, the available evidence is currently insufficient to determine the role of this variant in disease. Therefore, it has been classified as a Variant of Uncertain Significance.